The following is an entry in ClinVar:

ClinVar aggregate classification (germline): Benign. Review status: criteria provided, multiple submitters, no conflicts (2 of 4 stars). 3 submissions from 3 submitters: Benign (3). Last evaluated 2026-02-04.

Allele frequency attached by ClinVar (database versions not stated): 1000 Genomes Project 30x 0.01499; 1000 Genomes Project 0.01597; TOPMed 0.02614; ESP Exome Variant Server 0.03362; gnomAD 0.03443 and 0.03489; ExAC 0.03497; gnomAD exomes 0.03625 and 0.04304.
gnomAD v4.1: 57,817 of 1,383,580 alleles (4.2%); highest among the groups gnomAD compares: Non-Finnish European, 4.6%; 1,480 homozygotes.

Submissions (3):

Labcorp Genetics (formerly Invitae), Labcorp
Classification: Benign. Last evaluated: 2026-02-04. Review status: criteria provided, single submitter. Criteria: Invitae Variant Classification Sherloc (09022015). Collection method: clinical testing. Allele origin: germline.

GeneDx
Classification: Benign. Last evaluated: 2012-07-02. Review status: criteria provided, single submitter. Criteria: GeneDx Variant Classification (06012015). Collection method: clinical testing. Allele origin: germline. Affected: yes.
Comment: This variant is considered likely benign or benign based on one or more of the following criteria: it is a conservative change, it occurs at a poorly conserved position in the protein, it is predicted to be benign by multiple in silico algorithms, and/or has population frequency not consistent with disease.

Breakthrough Genomics
Classification: Benign. Review status: criteria provided, single submitter. Criteria: ACMG Guidelines, 2015. Collection method: not provided. Allele origin: germline. Inheritance: Autosomal recessive inheritance. Affected: yes.

NM_017547.4(FOXRED1):c.417+16T>C

Gene: FOXRED1 (FAD dependent oxidoreductase domain containing 1; plus strand). Cytogenetic location: 11q24.2.
Variant type: single nucleotide variant.
Coding change: c.417+16T>C on transcript NM_017547.4 (MANE Select); 16 bases into the intron after coding-DNA position 417, T replaced by C.
Molecular consequence: intron variant.
Genome position (GRCh38, 1-based): chr11:126,273,095, T>C. VCF-style: chr11-126273095-T-C. GRCh37 (hg19) VCF-style: chr11-126142990-T-C.
Identifiers: ClinVar variation 137398 (VCV000137398.11), dbSNP rs113976905, ClinGen allele CA290957.
Genomic context (GRCh38, chr11:126,273,095, plus strand): 5'-ATCCAGCTCTCCCTCTTTTCAGCCAGCTTTCTACGGAACATCAATGTAGGTGCAATGATA[T>C]CCGGGATGTTGGGGTGGTTACCCCTCCTTTAGCCCAGAGTGGGGAGCAGCCCAGCTAGCA-3'